The following is an entry in ClinVar:

ClinVar aggregate classification (germline): Uncertain significance (1 of 4 stars; one submission).

Conditions:
Malignant hyperthermia, susceptibility to, 1 (MHS1). Also called: Anesthesia related hyperthermia; Malignant hyperpyrexia; Fulminating hyperpyrexia; Pharmacogenic myopathy; RYR1-Related Malignant Hyperthermia Susceptibility; Malignant hyperthermia suceptibility 1. Identifiers: Orphanet 423, MedGen C2930980, MONDO:0007783, OMIM 145600.

Submission:

All of Us Research Program, National Institutes of Health
Classification: Uncertain significance for Malignant hyperthermia, susceptibility to, 1. Last evaluated: 2023-11-20. Review status: criteria provided, single submitter. Criteria: ACMG Guidelines, 2015. Collection method: clinical testing. Allele origin: germline. Inheritance: Autosomal dominant inheritance. Observed: 1 variant allele, 1 heterozygote.
Comment: This variant inserts 10 nucleotides in exon 26 of the RYR1 gene, creating a frameshift and premature translation stop signal. This variant is expected to result in an absent or non-functional protein product. To our knowledge, this variant has not been reported in individuals affected with RYR1-related disorders in the literature. This variant has not been identified in the general population by the Genome Aggregation Database (gnomAD). Loss of RYR1 function due to truncation variants is not an established disease mechanism for autosomal dominant malignant hyperthermia, although it is associated with other phenotype(s). Due to insufficient evidence, this variant is classified as a Variant of Uncertain Significance for autosomal dominant malignant hyperthermia.

This study involves interpretation of variants in research participants for the purpose of population health screening. Participant phenotype was not available at the time of variant classification. Additional details can be found in publication PMID: 35346344, PMCID: PMC8962531

NM_000540.3(RYR1):c.3466_3475dup (p.Ile1159fs)

Gene: RYR1 (ryanodine receptor 1; plus strand). Cytogenetic location: 19q13.2.
Variant type: Duplication.
Coding change: c.3466_3475dup on transcript NM_000540.3 (MANE Select); coding-DNA positions 3466 to 3475, 10 bases duplicated (GAGAACACCA; older notation c.3466_3475dupGAGAACACCA).
Protein change: p.Ile1159fs; shifts the reading frame from isoleucine 1159.
Molecular consequence: frameshift variant.
Genome position (GRCh38, 1-based): chr19:38,469,050-38,469,059, GAGAACACCA duplicated; duplicating any 10 consecutive bases within chr19:38,469,048-38,469,059 gives the same sequence; the c. name uses the placement nearest the transcript's 3' end. VCF-style (leftmost placement, unchanged base first): chr19-38469047-A-ACAGAGAACAC. GRCh37 (hg19) VCF-style: chr19-38959687-A-ACAGAGAACAC.
Other names: c.3466_3475dup, p.Ile1159fs (NM_001042723.2); short protein forms I1159fs.
Identifiers: ClinVar variation 3074443 (VCV003074443.1), dbSNP rs2514113598, ClinGen allele CA2825002775.
Genomic context (GRCh38, chr19:38,469,047, plus strand): 5'-AGTGAACCATTTGGGCGCCCCTGGCAGCCGGGCGATGTCGTTGGCTGTATGATCGACCTC[A>ACAGAGAACAC]CAGAGAACACCATTATCTTCACCCTCAATGGCGAGGTCCTCATGTCTGACTCAGGCTCCG-3'